The following is an entry in ClinVar:

NM_002224.4(ITPR3):c.5138-9C>T

Gene: ITPR3 (inositol 1,4,5-trisphosphate receptor type 3; plus strand). Cytogenetic location: 6p21.31.
Variant type: single nucleotide variant.
Coding change: c.5138-9C>T on transcript NM_002224.4 (MANE Select); 9 bases into the intron before coding-DNA position 5138, C replaced by T.
Molecular consequence: intron variant.
Genome position (GRCh38, 1-based): chr6:33,684,765, C>T. VCF-style: chr6-33684765-C-T. GRCh37 (hg19) VCF-style: chr6-33652542-C-T.
Identifiers: ClinVar variation 4992881 (VCV004992881.1).

ClinVar aggregate classification (germline): Benign (1 of 4 stars; one submission).

Conditions:
ITPR3-related disorder. Also called: ITPR3-related condition.

gnomAD v4.1: 48,252 of 1,609,788 alleles (3%); highest among the groups gnomAD compares: Non-Finnish European, 3.7%; 878 homozygotes.

Submission:

PreventionGenetics, part of Exact Sciences
Classification: Benign for ITPR3-related condition. Last evaluated: 2025-10-27. Review status: criteria provided, single submitter. Criteria: ACMG Guidelines, 2015. Collection method: clinical testing. Allele origin: germline.
Comment: This variant is classified as benign based on ACMG/AMP sequence variant interpretation guidelines (Richards et al. 2015 PMID: 25741868, with internal and published modifications).